The following is an entry in ClinVar:

NM_014159.7(SETD2):c.430T>G (p.Phe144Val)

Gene: SETD2 (SET domain containing 2, histone lysine methyltransferase; minus strand). Cytogenetic location: 3p21.31.
Variant type: single nucleotide variant.
Coding change: c.430T>G on transcript NM_014159.7 (MANE Select); coding-DNA position 430, T replaced by G.
Protein change: p.Phe144Val; replaces phenylalanine 144 with valine.
Molecular consequence: missense variant. On other transcripts: non-coding transcript variant (1).
Genome position (GRCh38, 1-based): chr3:47,124,206, A>C on the plus strand (T>G on the coding strand, the complement: SETD2 is on the minus strand). VCF-style: chr3-47124206-A-C. GRCh37 (hg19) VCF-style: chr3-47165696-A-C.
Other names: c.298T>G, p.Phe100Val (NM_001349370.3); short protein forms F100V, F144V.
Identifiers: ClinVar variation 4538129 (VCV004538129.1).

ClinVar aggregate classification (germline): Uncertain significance (1 of 4 stars; one submission).

Submission:

GeneDx
Classification: Uncertain significance. Last evaluated: 2025-06-12. Review status: criteria provided, single submitter. Criteria: GeneDx Variant Classification Process June 2021. Collection method: clinical testing. Allele origin: germline. Affected: yes.
Comment: Not observed at significant frequency in large population cohorts (gnomAD); In silico analysis supports that this missense variant has a deleterious effect on protein structure/function; Has not been previously published as pathogenic or benign to our knowledge